The following is an entry in ClinVar:

ClinVar aggregate classification (germline): Benign. Review status: criteria provided, multiple submitters, no conflicts (2 of 4 stars). 15 submissions from 14 submitters: Benign (12). 3 of the submissions do not count toward it. Last evaluated 2026-02-04.

Conditions:
Muscular dystrophy, limb-girdle, autosomal recessive 23. Identifiers: Orphanet 565837, MedGen C4748327, MONDO:0029136, OMIM 618138.
LAMA2-related muscular dystrophy (LAMA2-RD). Also called: Laminin alpha 2-related dystrophy. Identifiers: MedGen C5679788, MONDO:0100228.
Merosin deficient congenital muscular dystrophy (MDC1A). Also called: Congenital merosin-deficient muscular dystrophy 1A; Congenital Muscular Dystrophy Type 1A (MDC1A). Identifiers: Orphanet 258, MedGen C1263858, MONDO:0011925, OMIM 607855.
Congenital muscular dystrophy due to partial LAMA2 deficiency. Identifiers: MedGen C1842898.

Allele frequency attached by ClinVar (database versions not stated): 1000 Genomes Project 30x 0.93629; 1000 Genomes Project 0.93670; ESP Exome Variant Server 0.94733; TOPMed 0.94991; gnomAD 0.95199 and 0.95273; ExAC 0.95784; gnomAD exomes 0.96082 and 0.96439.
gnomAD v4.1: 1,505,428 of 1,563,004 alleles (96%); highest among the groups gnomAD compares: Admixed American, 98%; 725,450 homozygotes.

Submissions (15):

Labcorp Genetics (formerly Invitae), Labcorp
Classification: Benign for LAMA2-related muscular dystrophy. Last evaluated: 2026-02-04. Review status: criteria provided, single submitter. Criteria: Invitae Variant Classification Sherloc (09022015). Collection method: clinical testing. Allele origin: germline.

Women's Health and Genetics/Laboratory Corporation of America, LabCorp
Classification: Benign. Last evaluated: 2025-11-17. Review status: criteria provided, single submitter. Criteria: LabCorp Variant Classification Summary - May 2015. Collection method: clinical testing. Allele origin: germline.

Blueprint Genetics
Classification: Benign. Last evaluated: 2024-11-27. Review status: criteria provided, single submitter. Criteria: ACMG Guidelines, 2015. Collection method: clinical testing. Allele origin: germline.

Genome-Nilou Lab
Classification: Benign for Merosin deficient congenital muscular dystrophy. Last evaluated: 2021-08-19. Review status: criteria provided, single submitter. Criteria: ACMG Guidelines, 2015. Collection method: clinical testing. Allele origin: germline. Affected: no.

Genome-Nilou Lab
Classification: Benign for Muscular dystrophy, limb-girdle, autosomal recessive 23. Last evaluated: 2021-08-19. Review status: criteria provided, single submitter. Criteria: ACMG Guidelines, 2015. Collection method: clinical testing. Allele origin: germline. Affected: no.

Mayo Clinic Laboratories, Mayo Clinic
Classification: Benign. Last evaluated: 2018-06-26. Review status: criteria provided, single submitter. Criteria: ACMG Guidelines, 2015. Collection method: clinical testing. Allele origin: germline. Observed: 3,088 variant alleles.

Illumina Laboratory Services, Illumina
Classification: Benign for Congenital muscular dystrophy due to partial LAMA2 deficiency. Last evaluated: 2018-01-13. Review status: criteria provided, single submitter. Criteria: ICSL Variant Classification Criteria 13 December 2019. Collection method: clinical testing. Allele origin: germline.
Comment: This variant was observed in the ICSL laboratory as part of a predisposition screen in an ostensibly healthy population. It had not been previously curated by ICSL or reported in the Human Gene Mutation Database (HGMD: prior to June 1st, 2018), and was therefore a candidate for classification through an automated scoring system. Utilizing variant allele frequency, disease prevalence and penetrance estimates, and inheritance mode, an automated score was calculated to assess if this variant is too frequent to cause the disease. Based on the score and internal cut-off values, a variant classified as benign is not then subjected to further curation. The score for this variant resulted in a classification of benign for this disease.

Athena Diagnostics
Classification: Benign for Merosin deficient congenital muscular dystrophy. Last evaluated: 2017-04-13. Review status: criteria provided, single submitter. Criteria: Athena Diagnostics Criteria. Collection method: clinical testing. Allele origin: germline.

GeneDx
Classification: Benign. Last evaluated: 2016-01-05. Review status: criteria provided, single submitter. Criteria: GeneDx Variant Classification (06012015). Collection method: clinical testing. Allele origin: germline. Affected: yes.
Comment: This variant is considered likely benign or benign based on one or more of the following criteria: it is a conservative change, it occurs at a poorly conserved position in the protein, it is predicted to be benign by multiple in silico algorithms, and/or has population frequency not consistent with disease.

Eurofins Ntd Llc (ga)
Classification: Benign. Last evaluated: 2015-05-26. Review status: criteria provided, single submitter. Criteria: EGL Classification Definitions 2015. Collection method: clinical testing. Allele origin: germline. Observed: 87 variant alleles, 7 heterozygotes, 80 homozygotes.

Genetic Services Laboratory, University of Chicago
Classification: Benign for AllHighlyPenetrant. Last evaluated: 2013-08-15. Review status: criteria provided, single submitter. Criteria: ACMG Guidelines, 2007. Collection method: clinical testing. Allele origin: germline. Inheritance: Autosomal recessive inheritance.

PreventionGenetics, part of Exact Sciences
Classification: Benign. Review status: criteria provided, single submitter. Criteria: ACMG Guidelines, 2015. Collection method: clinical testing. Allele origin: germline.

Clinical Genetics, Academic Medical Center
Classification: Benign. Review status: no assertion criteria provided. Collection method: clinical testing. Allele origin: germline. Affected: yes. Study: VKGL Data-share Consensus. Not counted in ClinVar's aggregate classification.

Diagnostic Laboratory, Department of Genetics, University Medical Center Groningen
Classification: Benign for Merosin deficient congenital muscular dystrophy. Review status: no assertion criteria provided. Collection method: clinical testing. Allele origin: germline. Affected: yes. Study: VKGL Data-share Consensus. Not counted in ClinVar's aggregate classification.

Joint Genome Diagnostic Labs from Nijmegen and Maastricht, Radboudumc and MUMC+
Classification: Benign. Review status: no assertion criteria provided. Collection method: clinical testing. Allele origin: germline. Affected: yes. Study: VKGL Data-share Consensus. Not counted in ClinVar's aggregate classification.

Literature cited by the submitters: PubMed 12552556 (cited by Athena Diagnostics).

NM_000426.4(LAMA2):c.381C>A (p.Thr127=)

Gene: LAMA2 (laminin subunit alpha 2; plus strand). Cytogenetic location: 6q22.33.
Variant type: single nucleotide variant.
Coding change: c.381C>A on transcript NM_000426.4 (MANE Select); coding-DNA position 381, C replaced by A.
Protein change: p.Thr127=; no amino-acid change (threonine 127 retained).
Molecular consequence: synonymous variant.
Genome position (GRCh38, 1-based): chr6:129,059,881, C>A. VCF-style: chr6-129059881-C-A. GRCh37 (hg19) VCF-style: chr6-129381026-C-A.
Other names: p.Thr127=; c.381C>A, p.Thr127= (NM_001079823.2).
Identifiers: ClinVar variation 92955 (VCV000092955.31), dbSNP rs4404787, ClinGen allele CA146119.